The following is an entry in ClinVar:

ClinVar aggregate classification (germline): Benign. Review status: criteria provided, multiple submitters, no conflicts (2 of 4 stars). 4 submissions from 4 submitters: Benign (3). 1 of the submissions does not count toward it. Last evaluated 2026-02-03.

Allele frequency attached by ClinVar (database versions not stated): 1000 Genomes Project 0.09046; 1000 Genomes Project 30x 0.09119; gnomAD exomes 0.14397; TOPMed 0.14472; ExAC 0.14669; gnomAD 0.14940 and 0.15318; ESP Exome Variant Server 0.16765.
gnomAD v4.1: 297,170 of 1,612,978 alleles (18%); highest among the groups gnomAD compares: Non-Finnish European, 21%; 29,832 homozygotes.

Submissions (4):

Labcorp Genetics (formerly Invitae), Labcorp
Classification: Benign. Last evaluated: 2026-02-03. Review status: criteria provided, single submitter. Criteria: Invitae Variant Classification Sherloc (09022015). Collection method: clinical testing. Allele origin: germline.

Blueprint Genetics
Classification: Benign. Last evaluated: 2024-11-26. Review status: criteria provided, single submitter. Criteria: ACMG Guidelines, 2015. Collection method: clinical testing. Allele origin: germline.

GeneDx
Classification: Benign. Last evaluated: 2015-12-04. Review status: criteria provided, single submitter. Criteria: GeneDx Variant Classification (06012015). Collection method: clinical testing. Allele origin: germline. Affected: yes.
Comment: This variant is considered likely benign or benign based on one or more of the following criteria: it is a conservative change, it occurs at a poorly conserved position in the protein, it is predicted to be benign by multiple in silico algorithms, and/or has population frequency not consistent with disease.

Mayo Clinic Laboratories, Mayo Clinic
Classification: Benign. Last evaluated: 2016-02-22. Review status: no assertion criteria provided. Collection method: clinical testing. Allele origin: unknown. Not counted in ClinVar's aggregate classification.

NM_020442.6(VARS2):c.3146G>A (p.Arg1049Gln)

Gene: VARS2 (valyl-tRNA synthetase 2, mitochondrial; plus strand). Cytogenetic location: 6p21.33.
Variant type: single nucleotide variant.
Coding change: c.3146G>A on transcript NM_020442.6 (MANE Select); coding-DNA position 3146, G replaced by A.
Protein change: p.Arg1049Gln; replaces arginine 1049 with glutamine.
Molecular consequence: missense variant.
Genome position (GRCh38, 1-based): chr6:30,926,164, G>A. VCF-style: chr6-30926164-G-A. GRCh37 (hg19) VCF-style: chr6-30893941-G-A.
Other names: c.2726G>A, p.Arg909Gln (NM_001167733.3); c.3236G>A, p.Arg1079Gln (NM_001167734.2); short protein forms R1049Q, R1079Q, R909Q.
Identifiers: ClinVar variation 380164 (VCV000380164.14), dbSNP rs4678, ClinGen allele CA3706473.
Genomic context (GRCh38, chr6:30,926,164, plus strand): 5'-TCCAGCTTTCTTCCCTCCAGCTGGAATTGTCAAAACTGGACAAGGCAGCCTCTCACCTCC[G>A]GCAGCTGATGGATGAGCCTCCAGCCCCAGGGAGCCCGGAGCTCTAACTCATCATCCCCAT-3'
Protein context (NP_065175.4, residues 1039-1059): SKLDKAASHL[Arg1049Gln]QLMDEPPAPG